The following is an entry in ClinVar:

ClinVar aggregate classification (germline): Uncertain significance. Review status: criteria provided, single submitter (1 of 4 stars). 2 submissions from 2 submitters: Uncertain significance (1). 1 of the submissions does not count toward it. Last evaluated 2023-12-20.

Conditions:
DLL4-related disorder. Also called: DLL4-related condition.
Inborn genetic diseases. Identifiers: MedGen C0950123, MeSH D030342.

Allele frequency attached by ClinVar (database versions not stated): gnomAD 0.00001.

Submissions (2):

Ambry Genetics
Classification: Uncertain significance for Inborn genetic diseases. Last evaluated: 2023-12-20. Review status: criteria provided, single submitter. Criteria: Ambry Variant Classification Scheme 2023. Collection method: clinical testing. Allele origin: germline.

PreventionGenetics, part of Exact Sciences
Classification: Uncertain significance for DLL4-related condition. Last evaluated: 2024-03-23. Review status: no assertion criteria provided. Collection method: clinical testing. Allele origin: germline. Not counted in ClinVar's aggregate classification.
Comment: The DLL4 c.471G>C variant is predicted to result in the amino acid substitution p.Leu157Phe. To our knowledge, this variant has not been reported in the literature or in a large population database, indicating this variant is rare. At this time, the clinical significance of this variant is uncertain due to the absence of conclusive functional and genetic evidence.

NM_019074.4(DLL4):c.471G>C (p.Leu157Phe)

Gene: DLL4 (delta like canonical Notch ligand 4; plus strand). Cytogenetic location: 15q15.1.
Variant type: single nucleotide variant.
Coding change: c.471G>C on transcript NM_019074.4 (MANE Select); coding-DNA position 471, G replaced by C.
Protein change: p.Leu157Phe; replaces leucine 157 with phenylalanine.
Molecular consequence: missense variant.
Genome position (GRCh38, 1-based): chr15:40,931,579, G>C. VCF-style: chr15-40931579-G-C. GRCh37 (hg19) VCF-style: chr15-41223777-G-C.
Other names: short protein forms L157F.
Identifiers: ClinVar variation 3082935 (VCV003082935.2), dbSNP rs748645170, ClinGen allele CA391806819.